The following is an entry in ClinVar:

ClinVar aggregate classification (germline): Uncertain significance (1 of 4 stars; one submission).

Conditions:
Cardiovascular phenotype. Identifiers: MedGen CN230736.

Submission:

Ambry Genetics
Classification: Uncertain significance for Cardiovascular phenotype. Last evaluated: 2022-12-25. Review status: criteria provided, single submitter. Criteria: Ambry Variant Classification Scheme 2023. Collection method: clinical testing. Allele origin: germline.
Comment: The p.Q199H variant (also known as c.597G>C), located in coding exon 2 of the DES gene, results from a G to C substitution at nucleotide position 597. The glutamine at codon 199 is replaced by histidine, an amino acid with highly similar properties. This amino acid position is conserved. In addition, this alteration is predicted to be tolerated by in silico analysis. Since supporting evidence is limited at this time, the clinical significance of this alteration remains unclear.

NM_001927.4(DES):c.597G>C (p.Gln199His)

Gene: DES (desmin; plus strand). Cytogenetic location: 2q35.
Variant type: single nucleotide variant.
Coding change: c.597G>C on transcript NM_001927.4 (MANE Select); coding-DNA position 597, G replaced by C.
Protein change: p.Gln199His; replaces glutamine 199 with histidine.
Molecular consequence: missense variant. On other transcripts: intron variant (1).
Genome position (GRCh38, 1-based): chr2:219,420,113, G>C. VCF-style: chr2-219420113-G-C. GRCh37 (hg19) VCF-style: chr2-220284835-G-C.
Other names: c.597G>C, p.Gln199His (NM_001382708.1, NM_001382709.1, NM_001382710.1 and 2 more transcripts); c.496-412G>C (NM_001382713.1); short protein forms Q199H.
Identifiers: ClinVar variation 2450700 (VCV002450700.2), dbSNP rs2545250824, ClinGen allele CA350689772.